The following is an entry in ClinVar:

NM_001723.7(DST):c.6883C>T (p.Pro2295Ser)

Gene: DST (dystonin; minus strand). Cytogenetic location: 6p12.1.
Variant type: single nucleotide variant.
Coding change: c.6883C>T on transcript NM_001723.7 (MANE Plus Clinical); coding-DNA position 6883, C replaced by T.
Protein change: p.Pro2295Ser; replaces proline 2295 with serine.
Molecular consequence: missense variant. On other transcripts: intron variant (10).
Genome position (GRCh38, 1-based): chr6:56,616,584, G>A on the plus strand (C>T on the coding strand, the complement: DST is on the minus strand). VCF-style: chr6-56616584-G-A. GRCh37 (hg19) VCF-style: chr6-56481382-G-A.
Other names: c.4831-2100C>T (NM_001144769.5); c.4930-2100C>T (NM_001374722.1, NM_001374736.1); c.4957-2100C>T (NM_001374734.1); c.4417-2100C>T (NM_001144770.2); c.4297-2100C>T (NM_001374730.1, NM_001386100.1, NM_183380.4 and 1 more transcripts); c.3319-2100C>T (NM_015548.5); short protein forms P2295S.
Identifiers: ClinVar variation 652254 (VCV000652254.7), dbSNP rs765477193, ClinGen allele CA3870074.

ClinVar aggregate classification (germline): Uncertain significance (1 of 4 stars; one submission).

Conditions:
Hereditary sensory and autonomic neuropathy type 6. Also called: Neuropathy, hereditary sensory and autonomic, type VI; HSAN VI. Identifiers: Orphanet 314381, MedGen C3539003, MONDO:0013839, OMIM 614653.
Epidermolysis bullosa simplex 3, localized or generalized intermediate, with BP230 deficiency (EBS3). Also called: Epidermolysis bullosa simplex due to BP230 deficiency; Epidermolysis bullosa simplex, autosomal recessive 2. Identifiers: Orphanet 412181, MedGen C3809470, MONDO:0014180, OMIM 615425.

Allele frequency attached by ClinVar (database versions not stated): gnomAD 0.00001; TOPMed 0.00001.
gnomAD v4.1: 31 of 1,614,004 alleles (0.0019%); highest among the groups gnomAD compares: South Asian, 0.03%; no homozygotes.

Submission:

Labcorp Genetics (formerly Invitae), Labcorp
Classification: Uncertain significance for Epidermolysis bullosa simplex 3, localized or generalized intermediate, with BP230 deficiency; Hereditary sensory and autonomic neuropathy type 6. Last evaluated: 2021-10-13. Review status: criteria provided, single submitter. Criteria: Invitae Variant Classification Sherloc (09022015). Collection method: clinical testing. Allele origin: germline.
Comment: Algorithms developed to predict the effect of missense changes on protein structure and function are either unavailable or do not agree on the potential impact of this missense change (SIFT: "Tolerated"; PolyPhen-2: "Probably Damaging"; Align-GVGD: "Class C0"). In summary, the available evidence is currently insufficient to determine the role of this variant in disease. Therefore, it has been classified as a Variant of Uncertain Significance. This variant has not been reported in the literature in individuals affected with DST-related conditions. This variant is present in population databases (rs765477193, ExAC 0.04%). This sequence change replaces proline with serine at codon 2295 of the DST protein (p.Pro2295Ser). The proline residue is weakly conserved and there is a moderate physicochemical difference between proline and serine.